The following is an entry in ClinVar:

NM_001458.5(FLNC):c.5503C>T (p.Gln1835Ter)

Genes: FLNC-AS1 (FLNC antisense RNA 1; minus strand), FLNC (filamin C; plus strand). Cytogenetic location: 7q32.1.
Variant type: single nucleotide variant.
Coding change: c.5503C>T on transcript NM_001458.5 (MANE Select); coding-DNA position 5503, C replaced by T.
Protein change: p.Gln1835Ter; replaces glutamine 1835 with a stop codon.
Molecular consequence: nonsense.
Genome position (GRCh38, 1-based): chr7:128,850,907, C>T. VCF-style: chr7-128850907-C-T. GRCh37 (hg19) VCF-style: chr7-128490961-C-T.
Other names: c.5404C>T, p.Gln1802Ter (NM_001127487.2); short protein forms Q1802*, Q1835*.
Identifiers: ClinVar variation 1710095 (VCV001710095.3), dbSNP rs2536654806, ClinGen allele CA369206923.

ClinVar aggregate classification (germline): Pathogenic/Likely pathogenic. Review status: criteria provided, multiple submitters, no conflicts (2 of 4 stars). 3 submissions from 3 submitters: Pathogenic (2); Likely pathogenic (1). Last evaluated 2025-07-23.

Conditions:
Primary dilated cardiomyopathy (DCM). Also called: Dilated Cardiomyopathy. Identifiers: Orphanet 217604, MedGen C0007193, MeSH D002311, MONDO:0005021, HP:0001644. Inheritance: Various modes of inheritance.
Myofibrillar myopathy 5. Also called: Filaminopathy (type); FILAMINOPATHY, AUTOSOMAL DOMINANT. Identifiers: Orphanet 171445, MedGen C1836050, MONDO:0012289, OMIM 609524.
Distal myopathy with posterior leg and anterior hand involvement. Also called: WILLIAMS DISTAL MYOPATHY. Identifiers: Orphanet 63273, MedGen C3279722, MONDO:0013550, OMIM 614065.
Hypertrophic cardiomyopathy 26. Also called: Cardiomyopathy, familial hypertrophic, 26. Identifiers: Orphanet 75249, MedGen C4310749, MONDO:0014883, OMIM 617047.
Primary familial dilated cardiomyopathy (FDC). Also called: Familial dilated cardiomyopathy; Hypokinetic dilated cardiomyopathy, familial. Identifiers: Orphanet 217607, MedGen C0340427, MONDO:0016333.

Submissions (3):

Labcorp Genetics (formerly Invitae), Labcorp
Classification: Pathogenic for Distal myopathy with posterior leg and anterior hand involvement; Myofibrillar myopathy 5; Hypertrophic cardiomyopathy 26. Last evaluated: 2025-07-23. Review status: criteria provided, single submitter. Criteria: Invitae Variant Classification Sherloc (09022015). Collection method: clinical testing. Allele origin: germline.
Comment: This sequence change creates a premature translational stop signal (p.Gln1835*) in the FLNC gene. It is expected to result in an absent or disrupted protein product. Loss-of-function variants in FLNC are known to be pathogenic (PMID: 27908349). This variant is not present in population databases (gnomAD no frequency). This variant has not been reported in the literature in individuals affected with FLNC-related conditions. ClinVar contains an entry for this variant (Variation ID: 1710095). Algorithms developed to predict the effect of sequence changes on RNA splicing suggest that this variant may create or strengthen a splice site. For these reasons, this variant has been classified as Pathogenic.

Illumina Laboratory Services, Illumina
Classification: Likely pathogenic for Primary dilated cardiomyopathy. Last evaluated: 2023-08-11. Review status: criteria provided, single submitter. Criteria: ICSLVariantClassificationCriteria RUGD 01 April 2020. Collection method: clinical testing. Allele origin: unknown.
Comment: The FLNC c.5503C>T (p.Gln1835Ter) stop gained variant results in the loss of normal protein function through either protein truncation or nonsense-mediated mRNA decay. To our knowledge, this variant has not been reported in the peer-reviewed literature. This variant is not observed in version 2.1.1 or version 3.1.2 of the Genome Aggregation Database. Based on the available evidence, the c.5503C>T (p.Gln1835Ter) variant is classified as likely pathogenic for dilated cardiomyopathy.

Center for Human Genetics, University of Leuven
Classification: Pathogenic for Primary familial dilated cardiomyopathy. Last evaluated: 2021-12-24. Review status: criteria provided, single submitter. Criteria: ACMG Guidelines, 2015. Collection method: clinical testing. Allele origin: inherited. Affected: yes. Observed: 1 variant allele.

Literature cited by the submitters: PubMed 27908349 (cited by Labcorp Genetics (formerly Invitae), Labcorp).